The following is an entry in ClinVar:

NM_000051.4(ATM):c.2376+1G>T

Gene: ATM (ATM serine/threonine kinase; plus strand). Cytogenetic location: 11q22.3.
Variant type: single nucleotide variant.
Coding change: c.2376+1G>T on transcript NM_000051.4 (MANE Select); the canonical splice donor site of the intron after coding-DNA position 2376, G replaced by T.
Molecular consequence: splice donor variant.
Genome position (GRCh38, 1-based): chr11:108,257,607, G>T. VCF-style: chr11-108257607-G-T. GRCh37 (hg19) VCF-style: chr11-108128334-G-T.
Other names: c.2376+1G>T (NM_001351834.2).
Identifiers: ClinVar variation 181927 (VCV000181927.16), dbSNP rs730881347, ClinGen allele CA298163.

ClinVar aggregate classification (germline): Pathogenic/Likely pathogenic. Review status: criteria provided, multiple submitters, no conflicts (2 of 4 stars). 4 submissions from 4 submitters: Pathogenic (1); Likely pathogenic (3). Last evaluated 2026-03-31.

Conditions:
Hereditary cancer-predisposing syndrome. Also called: Tumor predisposition; Neoplastic Syndromes, Hereditary; Hereditary Cancer Syndrome; Hereditary neoplastic syndrome. Identifiers: Orphanet 140162, MedGen C0027672, MeSH D009386, MONDO:0015356.
Familial cancer of breast. Also called: Hereditary breast cancer; BREAST CANCER, FAMILIAL; hereditary breast carcinoma. Identifiers: Orphanet 227535, MedGen C0346153, MONDO:0016419, OMIM 114480. Disease mechanism: loss of function.
Ataxia-telangiectasia syndrome (AT). Also called: Cerebello-oculocutaneous telangiectasia; Immunodeficiency with ataxia telangiectasia; AT, COMPLEMENTATION GROUP C; Ataxia-telangiectasia, complementation group E; Ataxia telangiectasia (A-T); LOUIS-BAR SYNDROME. Identifiers: Orphanet 100, MedGen C0004135, MONDO:0008840, OMIM 208900.

Submissions (4):

Myriad Genetics, Inc.
Classification: Likely pathogenic for Familial cancer of breast. Last evaluated: 2026-03-31. Review status: criteria provided, single submitter. Criteria: Myriad Autosomal Dominant, Autosomal Recessive and X-Linked Classification Criteria (2023). Collection method: clinical testing. Allele origin: unknown.
Comment: This variant is considered likely pathogenic. This variant occurs within a consensus splice junction and is predicted to result in abnormal mRNA splicing of either an out-of-frame exon or an in-frame exon necessary for protein stability and/or normal function. This variant has been reported in an individual with clinical features of gene-specific disease [PMID: 22213089].

Labcorp Genetics (formerly Invitae), Labcorp
Classification: Likely pathogenic for Ataxia-telangiectasia syndrome. Last evaluated: 2025-04-17. Review status: criteria provided, single submitter. Criteria: Invitae Variant Classification Sherloc (09022015). Collection method: clinical testing. Allele origin: germline.
Comment: This sequence change affects a donor splice site in intron 15 of the ATM gene. It is expected to disrupt RNA splicing. Variants that disrupt the donor or acceptor splice site typically lead to a loss of protein function (PMID: 16199547), and loss-of-function variants in ATM are known to be pathogenic (PMID: 23807571, 25614872). This variant is not present in population databases (gnomAD no frequency). Disruption of this splice site has been observed in individual(s) with clinical features of ATM-related conditions (PMID: 22213089, 26681312). ClinVar contains an entry for this variant (Variation ID: 181927). Algorithms developed to predict the effect of sequence changes on RNA splicing suggest that this variant may disrupt the consensus splice site. In summary, the currently available evidence indicates that the variant is pathogenic, but additional data are needed to prove that conclusively. Therefore, this variant has been classified as Likely Pathogenic.

Ambry Genetics
Classification: Pathogenic for Hereditary cancer-predisposing syndrome. Last evaluated: 2025-02-10. Review status: criteria provided, single submitter. Criteria: Ambry Variant Classification Scheme 2023. Collection method: clinical testing. Allele origin: germline.
Comment: The c.2376+1G>T intronic pathogenic mutation results from a G to T substitution one nucleotide after coding exon 14 of the ATM gene. Another variant affecting the same nucleotide, c.2376+1G>A, has been reported in a compound heterozygous state in an individual diagnosed with ataxia-telangiectasia (Verhagen MM et al. Hum. Mutat., 2012 Mar;33:561-71). This nucleotide position is highly conserved in available vertebrate species. In silico splice site analysis predicts that this alteration will weaken the native splice donor site. RNA studies have demonstrated that this alteration results in abnormal splicing in the set of samples tested (Ambry internal data). Alterations that disrupt the canonical splice site are expected to cause aberrant splicing, resulting in an abnormal protein. As such, this alteration is classified as a disease-causing mutation.

GeneDx
Classification: Likely pathogenic. Last evaluated: 2023-10-27. Review status: criteria provided, single submitter. Criteria: GeneDx Variant Classification Process June 2021. Collection method: clinical testing. Allele origin: germline. Affected: yes.
Comment: Canonical splice site variant predicted to result in an in-frame loss of the adjacent exon in a gene for which loss of function is a known mechanism of disease; Not observed at significant frequency in large population cohorts (gnomAD); Observed in a patient with prostate cancer (PMID: 33436325); This variant is associated with the following publications: (PMID: 26681312, 22213089, 33436325)

Literature cited by the submitters: PubMed 22213089 (cited by 3 submitters); PubMed 16199547 (cited by Labcorp Genetics (formerly Invitae), Labcorp); PubMed 23807571 (cited by Labcorp Genetics (formerly Invitae), Labcorp); PubMed 25614872 (cited by Labcorp Genetics (formerly Invitae), Labcorp); PubMed 26681312 (cited by Labcorp Genetics (formerly Invitae), Labcorp).